The following is an entry in ClinVar:

ClinVar aggregate classification (germline): Conflicting classifications of pathogenicity. Review status: criteria provided, conflicting classifications (1 of 4 stars). 3 submissions from 3 submitters: Likely pathogenic (1); Uncertain significance (2). Last evaluated 2025-08-20.

Conditions:
Inborn genetic diseases. Identifiers: MedGen C0950123, MeSH D030342.
COG5-congenital disorder of glycosylation. Also called: CONGENITAL DISORDER OF GLYCOSYLATION, TYPE IIi; CDG IIi; COG5-CDG. Identifiers: Orphanet 263487, MedGen C3150876, MONDO:0013325, OMIM 613612.

Allele frequency attached by ClinVar (database versions not stated): gnomAD exomes 0.00001 and 0.00002; gnomAD 0.00002; TOPMed 0.00004.
gnomAD v4.1: 37 of 1,614,094 alleles (0.0023%); highest among the groups gnomAD compares: Non-Finnish European, 0.0027%; no homozygotes.

Submissions (3):

GeneDx
Classification: Likely pathogenic. Last evaluated: 2025-08-20. Review status: criteria provided, single submitter. Criteria: GeneDx Variant Classification Process June 2021. Collection method: clinical testing. Allele origin: germline. Affected: yes.
Comment: Not observed at significant frequency in large population cohorts (gnomAD); In silico analysis supports that this missense variant has a deleterious effect on protein structure/function; Has not been previously published as pathogenic or benign to our knowledge

Ambry Genetics
Classification: Uncertain significance for Inborn genetic diseases. Last evaluated: 2024-07-14. Review status: criteria provided, single submitter. Criteria: Ambry Variant Classification Scheme 2023. Collection method: clinical testing. Allele origin: germline.

Labcorp Genetics (formerly Invitae), Labcorp
Classification: Uncertain significance for COG5-congenital disorder of glycosylation. Last evaluated: 2022-01-13. Review status: criteria provided, single submitter. Criteria: Invitae Variant Classification Sherloc (09022015). Collection method: clinical testing. Allele origin: germline.
Comment: This sequence change replaces leucine, which is neutral and non-polar, with proline, which is neutral and non-polar, at codon 710 of the COG5 protein (p.Leu710Pro). This variant is present in population databases (no rsID available, gnomAD 0.004%). This variant has not been reported in the literature in individuals affected with COG5-related conditions. Algorithms developed to predict the effect of missense changes on protein structure and function (SIFT, PolyPhen-2, Align-GVGD) all suggest that this variant is likely to be disruptive. In summary, the available evidence is currently insufficient to determine the role of this variant in disease. Therefore, it has been classified as a Variant of Uncertain Significance.

NM_006348.5(COG5):c.2036T>C (p.Leu679Pro)

Gene: COG5 (component of oligomeric golgi complex 5; minus strand). Cytogenetic location: 7q22.3.
Variant type: single nucleotide variant.
Coding change: c.2036T>C on transcript NM_006348.5 (MANE Select); coding-DNA position 2036, T replaced by C.
Protein change: p.Leu679Pro; replaces leucine 679 with proline.
Molecular consequence: missense variant. On other transcripts: intron variant (1).
Genome position (GRCh38, 1-based): chr7:107,236,505, A>G on the plus strand (T>C on the coding strand, the complement: COG5 is on the minus strand). VCF-style: chr7-107236505-A-G. GRCh37 (hg19) VCF-style: chr7-106876950-A-G.
Other names: c.2129T>C (NM_006348.3); c.2036T>C, p.Leu679Pro (NM_001161520.2, NM_001379513.1); c.1874T>C, p.Leu625Pro (NM_001379511.1); c.1862T>C, p.Leu621Pro (NM_001379512.1); c.1466T>C, p.Leu489Pro (NM_001379515.1); c.1322T>C, p.Leu441Pro (NM_001379516.1); c.1973T>C, p.Leu658Pro (NM_181733.4); c.1853+11891T>C (NM_001379514.1); short protein forms L441P, L658P, L489P, L621P, L679P, L625P.
Identifiers: ClinVar variation 1355247 (VCV001355247.5), dbSNP rs975245291, ClinGen allele CA164682318.